The following is an entry in ClinVar:

ClinVar aggregate classification (germline): Benign/Likely benign. Review status: criteria provided, multiple submitters, no conflicts (2 of 4 stars). 5 submissions from 5 submitters: Benign (1); Likely benign (4). Last evaluated 2026-01-27.

Conditions:
Fanconi anemia complementation group P. Also called: SLX4-Related Fanconi Anemia. Identifiers: Orphanet 84, MedGen C3469542, MONDO:0013499, OMIM 613951.
Fanconi anemia (FA). Also called: Fanconi's anemia. Identifiers: Orphanet 84, MedGen C0015625, MeSH D005199, MONDO:0019391.

Allele frequency attached by ClinVar (database versions not stated): gnomAD 0.00007 and 0.00013; TOPMed 0.00010; ExAC 0.00031; gnomAD exomes 0.00033; 1000 Genomes Project 30x 0.00172; 1000 Genomes Project 0.00180.
gnomAD v4.1: 99 of 1,614,098 alleles (0.0061%); highest among the groups gnomAD compares: East Asian, 0.21%; no homozygotes.

Submissions (7):

Labcorp Genetics (formerly Invitae), Labcorp
Classification: Benign for Fanconi anemia. Last evaluated: 2026-01-27. Review status: criteria provided, single submitter. Criteria: Invitae Variant Classification Sherloc (09022015). Collection method: clinical testing. Allele origin: germline.

Blueprint Genetics
Classification: Likely benign. Last evaluated: 2024-11-15. Review status: criteria provided, single submitter. Criteria: ACMG Guidelines, 2015. Collection method: clinical testing. Allele origin: germline.

CeGaT Center for Human Genetics Tuebingen
Classification: Likely benign. Last evaluated: 2024-05-01. Review status: criteria provided, single submitter. Criteria: CeGaT Center For Human Genetics Tuebingen Variant Classification Criteria Version 2. Collection method: clinical testing. Allele origin: germline. Affected: yes. Observed: 1 variant allele.
Comment: SLX4: BP4, BP7

Fulgent Genetics
Classification: Likely benign for Fanconi anemia complementation group P. Last evaluated: 2022-03-15. Review status: criteria provided, single submitter. Criteria: ACMG Guidelines, 2015. Collection method: clinical testing. Allele origin: unknown.

Genetic Services Laboratory, University of Chicago
Classification: Likely benign. Last evaluated: 2015-10-07. Review status: criteria provided, single submitter. Criteria: ACMG Guidelines, 2015. Collection method: clinical testing. Allele origin: germline. Affected: no.

Dr. Peter K. Rogan Lab, Western University
No classification provided (evidence only). Condition: Malignant tumor of esophagus. Review status: no classification provided. Collection method: in vitro. Allele origin: not applicable. Functional consequence: retained intron. Not counted in ClinVar's aggregate classification.

Dr. Peter K. Rogan Lab, Western University
No classification provided (evidence only). Condition: Malignant tumor of esophagus. Review status: no classification provided. Collection method: in vitro. Allele origin: not applicable. Functional consequence: retained intron. Not counted in ClinVar's aggregate classification.

NM_032444.4(SLX4):c.2034T>G (p.Val678=)

Gene: SLX4 (SLX4 structure-specific endonuclease subunit; minus strand). Cytogenetic location: 16p13.3.
Variant type: single nucleotide variant.
Coding change: c.2034T>G on transcript NM_032444.4 (MANE Select); coding-DNA position 2034, T replaced by G.
Protein change: p.Val678=; no amino-acid change (valine 678 retained).
Molecular consequence: synonymous variant.
Genome position (GRCh38, 1-based): chr16:3,594,579, A>C on the plus strand (T>G on the coding strand, the complement: SLX4 is on the minus strand). VCF-style: chr16-3594579-A-C. GRCh37 (hg19) VCF-style: chr16-3644580-A-C.
Other names: c.2034T>G (LRG_503t1).
Identifiers: ClinVar variation 414711 (VCV000414711.38), dbSNP rs200278096, ClinGen allele CA7866308.
Genomic context (GRCh38, chr16:3,594,579, plus strand): 5'-GTCCGTCTGAAACTGGACATCACTCAGGTGTGGGTTATTGACCATGGCGCCAAAGTCAGC[A>C]ACCAGCAGCCCGAGGGAGAGCTGAAGCAGGAGGAGAGGAAGAGCCGTCACCTCCCCACCT-3'
Protein context (NP_115820.2, residues 668-688): GRTLLSLGLL[Val678=]ADFGAMVNNP